The following is an entry in ClinVar:

ClinVar aggregate classification (germline): Conflicting classifications of pathogenicity. Review status: criteria provided, conflicting classifications (1 of 4 stars). 3 submissions from 3 submitters: Uncertain significance (2); Likely benign (1). Last evaluated 2025-09-09.

Conditions:
Hereditary cancer-predisposing syndrome. Also called: Hereditary neoplastic syndrome; Hereditary Cancer Syndrome; Neoplastic Syndromes, Hereditary; Tumor predisposition. Identifiers: Orphanet 140162, MedGen C0027672, MeSH D009386, MONDO:0015356.
Familial adenomatous polyposis 2. Also called: MYH-associated polyposis; COLORECTAL ADENOMATOUS POLYPOSIS, AUTOSOMAL RECESSIVE; ADENOMAS, MULTIPLE COLORECTAL, AUTOSOMAL RECESSIVE; MUTYH-related attenuated familial adenomatous polyposis; Adenomas, multiple colorectal; FAP type 2. Identifiers: Orphanet 220460, Orphanet 247798, MedGen C3272841, MONDO:0012041, OMIM 608456.

Submissions (3):

Ambry Genetics
Classification: Likely benign for Hereditary cancer-predisposing syndrome. Last evaluated: 2025-09-09. Review status: criteria provided, single submitter. Criteria: Ambry Variant Classification Scheme 2023. Collection method: clinical testing. Allele origin: germline.

Baylor Genetics
Classification: Uncertain significance for Familial adenomatous polyposis 2. Last evaluated: 2023-08-20. Review status: criteria provided, single submitter. Criteria: ACMG Guidelines, 2015. Collection method: clinical testing. Allele origin: unknown.

Labcorp Genetics (formerly Invitae), Labcorp
Classification: Uncertain significance for Familial adenomatous polyposis 2. Last evaluated: 2022-11-28. Review status: criteria provided, single submitter. Criteria: Invitae Variant Classification Sherloc (09022015). Collection method: clinical testing. Allele origin: germline.
Comment: This sequence change replaces phenylalanine, which is neutral and non-polar, with leucine, which is neutral and non-polar, at codon 96 of the MUTYH protein (p.Phe96Leu). This variant is not present in population databases (gnomAD no frequency). This variant has not been reported in the literature in individuals affected with MUTYH-related conditions. ClinVar contains an entry for this variant (Variation ID: 485897). Algorithms developed to predict the effect of missense changes on protein structure and function output the following: SIFT: "Tolerated"; PolyPhen-2: "Benign"; Align-GVGD: "Class C0". The leucine amino acid residue is found in multiple mammalian species, which suggests that this missense change does not adversely affect protein function. In summary, the available evidence is currently insufficient to determine the role of this variant in disease. Therefore, it has been classified as a Variant of Uncertain Significance.

NM_001048174.2(MUTYH):c.202T>C (p.Phe68Leu)

Gene: MUTYH (mutY DNA glycosylase; minus strand). Cytogenetic location: 1p34.1.
Variant type: single nucleotide variant.
Coding change: c.202T>C on transcript NM_001048174.2 (MANE Select); coding-DNA position 202, T replaced by C.
Protein change: p.Phe68Leu; replaces phenylalanine 68 with leucine.
Molecular consequence: missense variant. On other transcripts: 5 prime UTR variant (4), non-coding transcript variant (2).
Genome position (GRCh38, 1-based): chr1:45,333,475, A>G on the plus strand (T>C on the coding strand, the complement: MUTYH is on the minus strand). VCF-style: chr1-45333475-A-G. GRCh37 (hg19) VCF-style: chr1-45799147-A-G.
Other names: c.202T>C, p.Phe68Leu (NM_001048171.2, NM_001048173.2, NM_001293195.2); c.205T>C, p.Phe69Leu (NM_001048172.2); c.286T>C, p.Phe96Leu (NM_001128425.2); c.247T>C, p.Phe83Leu (NM_001293190.2); c.235T>C, p.Phe79Leu (NM_001293191.2); c.-75T>C (NM_001293192.2, NM_001293196.2); c.-70T>C (NM_001350650.2, NM_001350651.2); c.277T>C, p.Phe93Leu (NM_012222.3); short protein forms F96L, F79L, F68L, F69L, F83L, F93L.
Identifiers: ClinVar variation 485897 (VCV000485897.12), dbSNP rs1553130266, ClinGen allele CA340136450.
Genomic context (GRCh38, chr1:45,333,475, plus strand): 5'-GTCTTCTCCATGGTAGGTCCCGTTTCTCTTGGTCGTACCAGCTTAGCAGGCTCCCTCGGA[A>G]GGCTGTGACTTCAGCTACGTCTCTGAATAGATGGTATGAGGAGACAGAGGCCTGCAATAC-3'
Protein context (NP_001041639.1, residues 58-78): LFRDVAEVTA[Phe68Leu]RGSLLSWYDQ